The following is an entry in ClinVar:

ClinVar aggregate classification (germline): Uncertain significance (1 of 4 stars; one submission).

Conditions:
Inborn genetic diseases. Identifiers: MedGen C0950123, MeSH D030342.

Allele frequency attached by ClinVar (database versions not stated): gnomAD exomes below 0.00001; TOPMed below 0.00001.
gnomAD v4.1: 1 of 1,613,316 alleles (0.000062%); highest among the groups gnomAD compares: African/African-American, 0.0013%; no homozygotes.

Submission:

Ambry Genetics
Classification: Uncertain significance for Inborn genetic diseases. Last evaluated: 2022-11-27. Review status: criteria provided, single submitter. Criteria: Ambry Variant Classification Scheme 2023. Collection method: clinical testing. Allele origin: germline.
Comment: The p.A504T variant (also known as c.1510G>A), located in coding exon 13 of the LRRK2 gene, results from a G to A substitution at nucleotide position 1510. The alanine at codon 504 is replaced by threonine, an amino acid with similar properties. This amino acid position is conserved. In addition, the in silico prediction for this alteration is inconclusive. Since supporting evidence is limited at this time, the clinical significance of this alteration remains unclear.

NM_198578.4(LRRK2):c.1510G>A (p.Ala504Thr)

Gene: LRRK2 (leucine rich repeat kinase 2; plus strand). Cytogenetic location: 12q12.
Variant type: single nucleotide variant.
Coding change: c.1510G>A on transcript NM_198578.4 (MANE Select); coding-DNA position 1510, G replaced by A.
Protein change: p.Ala504Thr; replaces alanine 504 with threonine.
Molecular consequence: missense variant.
Genome position (GRCh38, 1-based): chr12:40,259,571, G>A. VCF-style: chr12-40259571-G-A. GRCh37 (hg19) VCF-style: chr12-40653373-G-A.
Other names: short protein forms A504T.
Identifiers: ClinVar variation 2453032 (VCV002453032.2), dbSNP rs958567101, ClinGen allele CA235361833.
Genomic context (GRCh38, chr12:40,259,571, plus strand): 5'-GTCCCCAAAATACTAACAGTTATGAAACGTCATGAGACATCATTACCAGTGCAGCTGGAG[G>A]CGCTTCGAGCTATTTTACATTTTATAGTGCCTGGTAAGTTACATAGTTGATTGTGGGAAG-3'
Protein context (NP_940980.4, residues 494-514): HETSLPVQLE[Ala504Thr]LRAILHFIVP